The following is an entry in ClinVar:

NM_000283.4(PDE6B):c.2274G>C (p.Met758Ile)

Gene: PDE6B (phosphodiesterase 6B; plus strand). Cytogenetic location: 4p16.3.
Variant type: single nucleotide variant.
Coding change: c.2274G>C on transcript NM_000283.4 (MANE Select); coding-DNA position 2274, G replaced by C.
Protein change: p.Met758Ile; replaces methionine 758 with isoleucine.
Molecular consequence: missense variant.
Genome position (GRCh38, 1-based): chr4:666,536, G>C. VCF-style: chr4-666536-G-C. GRCh37 (hg19) VCF-style: chr4-660325-G-C.
Other names: c.2274G>C (NM_000283.3); c.2274G>C, p.Met758Ile (NM_001145291.2); c.1437G>C, p.Met479Ile (NM_001145292.2, NM_001350154.3, NM_001379246.1 and 1 more transcripts); c.1119G>C, p.Met373Ile (NM_001350155.3); short protein forms M373I, M479I, M758I.
Identifiers: ClinVar variation 1004770 (VCV001004770.12), dbSNP rs140857147, ClinGen allele CA2794990.

ClinVar aggregate classification (germline): Uncertain significance. Review status: criteria provided, multiple submitters, no conflicts (2 of 4 stars). 5 submissions from 5 submitters: Uncertain significance (4). 1 of the submissions does not count toward it. Last evaluated 2026-06-20.

Conditions:
PDE6B-related disorder. Also called: PDE6B-related disorders; PDE6B-related disease; PDE6B-related condition.
Retinal dystrophy. Also called: Inherited retinal dystrophy. Identifiers: Orphanet 71862, MedGen C0854723, MeSH D058499, MONDO:0019118, HP:0000556.

Allele frequency attached by ClinVar (database versions not stated): TOPMed 0.00005; gnomAD exomes 0.00006 and 0.00009; ESP Exome Variant Server 0.00015; ExAC 0.00004; gnomAD 0.00004.
gnomAD v4.1: 132 of 1,611,134 alleles (0.0082%); highest among the groups gnomAD compares: Non-Finnish European, 0.011%; no homozygotes.

Submissions (5):

PreventionGenetics, part of Exact Sciences
Classification: Uncertain significance for PDE6B-related condition. Last evaluated: 2026-06-20. Review status: criteria provided, single submitter. Criteria: ACMG Guidelines, 2015. Collection method: clinical testing. Allele origin: germline.
Comment: The PDE6B c.2274G>C variant is predicted to result in the amino acid substitution p.Met758Ile. To our knowledge, this variant has not been reported in the literature. This variant is reported in 0.011% of alleles in individuals of European (Non-Finnish) descent in gnomAD. At this time, the clinical significance of this variant is uncertain due to the absence of conclusive functional and genetic evidence.

Labcorp Genetics (formerly Invitae), Labcorp
Classification: Uncertain significance. Last evaluated: 2025-08-08. Review status: criteria provided, single submitter. Criteria: Invitae Variant Classification Sherloc (09022015). Collection method: clinical testing. Allele origin: germline.
Comment: This sequence change replaces methionine, which is neutral and non-polar, with isoleucine, which is neutral and non-polar, at codon 758 of the PDE6B protein (p.Met758Ile). This variant is present in population databases (rs140857147, gnomAD 0.01%). This variant has not been reported in the literature in individuals affected with PDE6B-related conditions. ClinVar contains an entry for this variant (Variation ID: 1004770). Invitae Evidence Modeling of protein sequence and biophysical properties (such as structural, functional, and spatial information, amino acid conservation, physicochemical variation, residue mobility, and thermodynamic stability) has been performed for this missense variant. However, the output from this modeling did not meet the statistical confidence thresholds required to predict the impact of this variant on PDE6B protein function. In summary, the available evidence is currently insufficient to determine the role of this variant in disease. Therefore, it has been classified as a Variant of Uncertain Significance.

Blueprint Genetics
Classification: Uncertain significance. Last evaluated: 2024-07-06. Review status: criteria provided, single submitter. Criteria: ACMG Guidelines, 2015. Collection method: clinical testing. Allele origin: germline.

Breakthrough Genomics
Classification: Uncertain significance. Review status: criteria provided, single submitter. Criteria: ACMG Guidelines, 2015. Collection method: not provided. Allele origin: germline. Inheritance: Autosomal recessive inheritance. Affected: yes.

Institute of Human Genetics, Univ. Regensburg, Univ. Regensburg
Classification: Uncertain significance for Retinal dystrophy. Last evaluated: 2017-01-01. Review status: no assertion criteria provided. Criteria: ACMG Guidelines, 2015. Collection method: clinical testing. Allele origin: germline. Affected: yes. Not counted in ClinVar's aggregate classification.